The following is an entry in ClinVar:

NM_000400.4(ERCC2):c.849dup (p.Glu284fs)

Gene: ERCC2 (ERCC excision repair 2, TFIIH core complex helicase subunit; minus strand). Cytogenetic location: 19q13.32.
Variant type: Duplication.
Coding change: c.849dup on transcript NM_000400.4 (MANE Select); coding-DNA position 849, one base duplicated (C; older notation c.849dupC).
Protein change: p.Glu284fs; shifts the reading frame from glutamic acid 284.
Molecular consequence: frameshift variant.
Genome position (GRCh38, 1-based): chr19:45,364,086, G duplicated on the plus strand (C on the coding strand, the reverse complement: ERCC2 is on the minus strand). VCF-style (leftmost placement, unchanged base first): chr19-45364085-C-CG. GRCh37 (hg19) VCF-style: chr19-45867343-C-CG.
Other names: c.777dup, p.Glu260fs (NM_001130867.2); short protein forms E260fs, E284fs.
Identifiers: ClinVar variation 2735179 (VCV002735179.4), dbSNP rs2514030085, ClinGen allele CA2697556624.

ClinVar aggregate classification (germline): Pathogenic/Likely pathogenic. Review status: criteria provided, multiple submitters, no conflicts (2 of 4 stars). 2 submissions from 2 submitters: Pathogenic (1); Likely pathogenic (1). Last evaluated 2024-01-07.

Conditions:
Cerebrooculofacioskeletal syndrome 2 (COFS2). Identifiers: MedGen C1853102, MONDO:0012553, OMIM 610756.
Trichothiodystrophy 1, photosensitive (TTD1). Also called: TAY SYNDROME; TRICHOTHIODYSTROPHY WITH CONGENITAL ICHTHYOSIS; PIBIDS SYNDROME. Identifiers: Orphanet 33364, MedGen C1866504, MONDO:0011125, OMIM 601675.
Xeroderma pigmentosum, group D (XPD). Also called: XERODERMA PIGMENTOSUM, COMPLEMENTATION GROUP D; ERCC2-Related Xeroderma Pigmentosum; XERODERMA PIGMENTOSUM IV; XP, GROUP D; XP, GROUP H. Identifiers: MedGen C0268138, MONDO:0010212, OMIM 278730.

Submissions (2):

Fulgent Genetics
Classification: Likely pathogenic for Xeroderma pigmentosum, group D; Trichothiodystrophy 1, photosensitive; Cerebrooculofacioskeletal syndrome 2. Last evaluated: 2024-01-07. Review status: criteria provided, single submitter. Criteria: ACMG Guidelines, 2015. Collection method: clinical testing. Allele origin: germline.

Labcorp Genetics (formerly Invitae), Labcorp
Classification: Pathogenic. Last evaluated: 2023-05-27. Review status: criteria provided, single submitter. Criteria: Invitae Variant Classification Sherloc (09022015). Collection method: clinical testing. Allele origin: germline.
Comment: This variant has not been reported in the literature in individuals affected with ERCC2-related conditions. For these reasons, this variant has been classified as Pathogenic. This variant is not present in population databases (gnomAD no frequency). This sequence change creates a premature translational stop signal (p.Glu284Argfs*94) in the ERCC2 gene. It is expected to result in an absent or disrupted protein product. Loss-of-function variants in ERCC2 are known to be pathogenic (PMID: 9238033, 11335038, 19085937, 19934020).

Literature cited by the submitters: PubMed 9238033 (cited by Labcorp Genetics (formerly Invitae), Labcorp); PubMed 11335038 (cited by Labcorp Genetics (formerly Invitae), Labcorp); PubMed 19085937 (cited by Labcorp Genetics (formerly Invitae), Labcorp); PubMed 19934020 (cited by Labcorp Genetics (formerly Invitae), Labcorp).